The following is an entry in ClinVar:

NM_014314.4(RIGI):c.859C>A (p.Gln287Lys)

Gene: RIGI (RNA sensor RIG-I; minus strand). Cytogenetic location: 9p21.1.
Variant type: single nucleotide variant.
Coding change: c.859C>A on transcript NM_014314.4 (MANE Select); coding-DNA position 859, C replaced by A.
Protein change: p.Gln287Lys; replaces glutamine 287 with lysine.
Molecular consequence: missense variant.
Genome position (GRCh38, 1-based): chr9:32,488,828, G>T on the plus strand (C>A on the coding strand, the complement: RIGI is on the minus strand). VCF-style: chr9-32488828-G-T. GRCh37 (hg19) VCF-style: chr9-32488826-G-T.
Other names: c.859C>A, p.Gln287Lys (NM_001385907.1, NM_001385909.1); c.418C>A, p.Gln140Lys (NM_001385910.1); c.250C>A, p.Gln84Lys (NM_001385912.1); c.844C>A, p.Gln282Lys (NM_001385913.1); c.415C>A, p.Gln139Lys (NM_001385914.1); short protein forms Q287K, Q139K, Q84K, Q282K, Q140K.
Identifiers: ClinVar variation 4698858 (VCV004698858.1).

ClinVar aggregate classification (germline): Uncertain significance (1 of 4 stars; one submission).

gnomAD v4.1: 2 of 1,613,214 alleles (0.00012%); highest among the groups gnomAD compares: Non-Finnish European, 0.00017%; no homozygotes.

Submission:

Labcorp Genetics (formerly Invitae), Labcorp
Classification: Uncertain significance. Last evaluated: 2025-12-10. Review status: criteria provided, single submitter. Criteria: Invitae Variant Classification Sherloc (09022015). Collection method: clinical testing. Allele origin: germline.
Comment: This sequence change replaces glutamine, which is neutral and polar, with lysine, which is basic and polar, at codon 287 of the DDX58 protein (p.Gln287Lys). This variant is not present in population databases (gnomAD no frequency). This variant has not been reported in the literature in individuals affected with DDX58-related conditions. Invitae Evidence Modeling of protein sequence and biophysical properties (such as structural, functional, and spatial information, amino acid conservation, physicochemical variation, residue mobility, and thermodynamic stability) indicates that this missense variant is not expected to disrupt DDX58 protein function with a negative predictive value of 80%. In summary, the available evidence is currently insufficient to determine the role of this variant in disease. Therefore, it has been classified as a Variant of Uncertain Significance.